The following is an entry in ClinVar:

NM_002691.4(POLD1):c.151CAGGAG[1] (p.51QE[1])

Gene: POLD1 (DNA polymerase delta 1, catalytic subunit; plus strand). Cytogenetic location: 19q13.33.
Variant type: Microsatellite.
Coding change: c.151CAGGAG[1] on transcript NM_002691.4 (MANE Select); one copy of the 6-base unit CAGGAG starting at c.151; the reference has two copies in a row; one copy, 6 bases deleted; also written c.157_162del.
Protein change: p.51QE[1].
Molecular consequence: inframe deletion. On other transcripts: non-coding transcript variant (1).
Genome position (GRCh38, 1-based): chr19:50,399,008-50,399,013, CAGGAG deleted; deleting any 6 consecutive bases within chr19:50,399,001-50,399,013 gives the same sequence; the position shown is the placement nearest the transcript's 3' end. VCF-style (leftmost placement, unchanged base first): chr19-50399000-TGCAGGA-T. GRCh37 (hg19) VCF-style: chr19-50902257-TGCAGGA-T.
Other names: c.157_162delCAGGAG (NM_002691.3); c.151CAGGAG[1], p.51QE[1] (NM_001256849.1, NM_001308632.1); c.157_162del (NM_002691.3); c.157_162del6 (NM_001256849.1).
Identifiers: ClinVar variation 484408 (VCV000484408.17), dbSNP rs760207160, ClinGen allele CA9595621.

ClinVar aggregate classification (germline): Uncertain significance. Review status: criteria provided, multiple submitters, no conflicts (2 of 4 stars). 4 submissions from 4 submitters: Uncertain significance (3). 1 of the submissions does not count toward it. Last evaluated 2025-12-10.

Conditions:
POLD1-related polyposis and colorectal cancer syndrome (CRCS10). Also called: Colorectal cancer 10; COLORECTAL CANCER, SUSCEPTIBILITY TO, ON CHROMOSOME 19q; Colorectal cancer, susceptibility to, 10. Identifiers: Orphanet 220460, MedGen C2675481, MONDO:0012953, OMIM 612591.
Hereditary cancer-predisposing syndrome. Also called: Tumor predisposition; Hereditary Cancer Syndrome; Hereditary neoplastic syndrome; Neoplastic Syndromes, Hereditary. Identifiers: Orphanet 140162, MedGen C0027672, MeSH D009386, MONDO:0015356.

Submissions (4):

Labcorp Genetics (formerly Invitae), Labcorp
Classification: Uncertain significance for POLD1-related polyposis and colorectal cancer syndrome. Last evaluated: 2025-12-10. Review status: criteria provided, single submitter. Criteria: Invitae Variant Classification Sherloc (09022015). Collection method: clinical testing. Allele origin: germline.
Comment: This variant, c.157_162del, results in the deletion of 2 amino acid(s) of the POLD1 protein (p.Gln53_Glu54del), but otherwise preserves the integrity of the reading frame. This variant is present in population databases (rs760207160, gnomAD 0.007%). This variant has not been reported in the literature in individuals affected with POLD1-related conditions. ClinVar contains an entry for this variant (Variation ID: 484408). Experimental studies and prediction algorithms are not available or were not evaluated, and the functional significance of this variant is currently unknown. In summary, the available evidence is currently insufficient to determine the role of this variant in disease. Therefore, it has been classified as a Variant of Uncertain Significance.

Ambry Genetics
Classification: Uncertain significance for Hereditary cancer-predisposing syndrome. Last evaluated: 2025-09-03. Review status: criteria provided, single submitter. Criteria: Ambry Variant Classification Scheme 2023. Collection method: clinical testing. Allele origin: germline.
Comment: The c.157_162delCAGGAG variant (also known as p.Q53_E54del) is located in coding exon 1 of the POLD1 gene. This variant results from an in-frame CAGGAG deletion at nucleotide positions 157 to 162. This results in the in-frame deletion of amino acids at codons 53 to 54. This amino acid region is well conserved in available vertebrate species. Based on the available evidence, the clinical significance of this variant remains unclear.

GeneDx
Classification: Uncertain significance. Last evaluated: 2023-12-05. Review status: criteria provided, single submitter. Criteria: GeneDx Variant Classification Process June 2021. Collection method: clinical testing. Allele origin: germline. Affected: yes.
Comment: In-frame deletion of 2 amino acids in a non-repeat region; Not observed at significant frequency in large population cohorts (gnomAD); In silico analysis supports a deleterious effect on protein structure/function; Has not been previously published as pathogenic or benign to our knowledge

Counsyl
Classification: Uncertain significance for POLD1-related polyposis and colorectal cancer syndrome. Last evaluated: 2017-05-25. Review status: no assertion criteria provided. Collection method: clinical testing. Allele origin: unknown. Not counted in ClinVar's aggregate classification.